The following is an entry in ClinVar:

NM_003742.4(ABCB11):c.1258A>G (p.Ile420Val)

Gene: ABCB11 (ATP binding cassette subfamily B member 11; minus strand). Cytogenetic location: 2q31.1.
Variant type: single nucleotide variant.
Coding change: c.1258A>G on transcript NM_003742.4 (MANE Select); coding-DNA position 1258, A replaced by G.
Protein change: p.Ile420Val; replaces isoleucine 420 with valine.
Molecular consequence: missense variant.
Genome position (GRCh38, 1-based): chr2:168,976,627, T>C on the plus strand (A>G on the coding strand, the complement: ABCB11 is on the minus strand). VCF-style: chr2-168976627-T-C. GRCh37 (hg19) VCF-style: chr2-169833137-T-C.
Other names: short protein forms I420V.
Identifiers: ClinVar variation 4688384 (VCV004688384.1).
Genomic context (GRCh38, chr2:168,976,627, plus strand): 5'-CAGCACTCACCTTCACCTCTGGTCTGGAAGGATAATGGAAGGTCACATTATGGAATTCAA[T>C]TTCACCCTTGATTCGATCCAACTTGTAACCATCTTCTGACATGCAGTCAATGATGGGTTT-3'
Protein context (NP_003733.2, residues 410-430): GYKLDRIKGE[Ile420Val]EFHNVTFHYP

ClinVar aggregate classification (germline): Uncertain significance (1 of 4 stars; one submission).

Submission:

Women's Health and Genetics/Laboratory Corporation of America, LabCorp
Classification: Uncertain significance. Last evaluated: 2025-12-11. Review status: criteria provided, single submitter. Criteria: LabCorp Variant Classification Summary - May 2015. Collection method: clinical testing. Allele origin: germline.
Comment: Variant summary: ABCB11 c.1258A>G (p.Ile420Val) results in a conservative amino acid change in the encoded protein sequence. Algorithms developed to predict the effect of missense changes on protein structure and function are either unavailable or do not agree on the potential impact of this missense change. The variant was absent in 247274 control chromosomes. The available data on variant occurrences in the general population are insufficient to allow any conclusion about variant significance. To our knowledge, no occurrence of c.1258A>G in individuals affected with ABCB11-related conditions and no experimental evidence demonstrating its impact on protein function have been reported. No submitters have cited clinical-significance assessments for this variant to ClinVar. Based on the evidence outlined above, the variant was classified as uncertain significance.